The following is an entry in ClinVar:

NM_003482.4(KMT2D):c.1051A>G (p.Lys351Glu)

Gene: KMT2D (lysine methyltransferase 2D; minus strand). Cytogenetic location: 12q13.12.
Variant type: single nucleotide variant.
Coding change: c.1051A>G on transcript NM_003482.4 (MANE Select); coding-DNA position 1051, A replaced by G.
Protein change: p.Lys351Glu; replaces lysine 351 with glutamic acid.
Molecular consequence: missense variant.
Genome position (GRCh38, 1-based): chr12:49,052,976, T>C on the plus strand (A>G on the coding strand, the complement: KMT2D is on the minus strand). VCF-style: chr12-49052976-T-C. GRCh37 (hg19) VCF-style: chr12-49446759-T-C.
Other names: short protein forms K351E.
Identifiers: ClinVar variation 5001298 (VCV005001298.1).
Genomic context (GRCh38, chr12:49,052,976, plus strand): 5'-TGCTACACACCGGGGTATGCTGCTCAGCAACGGAGCGGATAGTCTGACCTCCCTGGGCTT[T>C]GTGACAGCGGTGACAGAGAGAGTAGTTCTCAAACCACTCCGAGTTGGGATTCAGTTCTGC-3'
Protein context (NP_003473.3, residues 341-361): ENYSLCHRCH[Lys351Glu]AQGGQTIRSV

ClinVar aggregate classification (germline): Uncertain significance (1 of 4 stars; one submission).

Conditions:
KMT2D-related disorder. Also called: KMT2D-Related Disorders.

Submission:

PreventionGenetics, part of Exact Sciences
Classification: Uncertain significance for KMT2D-related condition. Last evaluated: 2025-07-13. Review status: criteria provided, single submitter. Criteria: ACMG Guidelines, 2015. Collection method: clinical testing. Allele origin: germline.
Comment: The KMT2D c.1051A>G variant is predicted to result in the amino acid substitution p.Lys351Glu. To our knowledge, this variant has not been reported in the literature or in a large population database (gnomAD), indicating this variant is rare. At this time, the clinical significance of this variant is uncertain due to the absence of conclusive functional and genetic evidence.